The following is an entry in ClinVar:

ClinVar aggregate classification (germline): Uncertain significance (1 of 4 stars; one submission).

Submission:

Labcorp Genetics (formerly Invitae), Labcorp
Classification: Uncertain significance. Last evaluated: 2025-11-19. Review status: criteria provided, single submitter. Criteria: Invitae Variant Classification Sherloc (09022015). Collection method: clinical testing. Allele origin: germline.
Comment: This sequence change replaces aspartic acid, which is acidic and polar, with histidine, which is basic and polar, at codon 2313 of the HIVEP2 protein (p.Asp2313His). This variant is not present in population databases (gnomAD no frequency). This variant has not been reported in the literature in individuals affected with HIVEP2-related conditions. An algorithm developed to predict the effect of missense changes on protein structure and function (PolyPhen-2) suggests that this variant is likely to be disruptive. In summary, the available evidence is currently insufficient to determine the role of this variant in disease. Therefore, it has been classified as a Variant of Uncertain Significance.

NM_006734.4(HIVEP2):c.6937G>C (p.Asp2313His)

Gene: HIVEP2 (HIVEP zinc finger 2; minus strand). Cytogenetic location: 6q24.2.
Variant type: single nucleotide variant.
Coding change: c.6937G>C on transcript NM_006734.4 (MANE Select); coding-DNA position 6937, G replaced by C.
Protein change: p.Asp2313His; replaces aspartic acid 2313 with histidine.
Molecular consequence: missense variant.
Genome position (GRCh38, 1-based): chr6:142,753,511, C>G on the plus strand (G>C on the coding strand, the complement: HIVEP2 is on the minus strand). VCF-style: chr6-142753511-C-G. GRCh37 (hg19) VCF-style: chr6-143074648-C-G.
Other names: c.6937G>C, p.Asp2313His (NM_001438449.1, NM_001438450.1, NM_001438451.1); short protein forms D2313H.
Identifiers: ClinVar variation 4731001 (VCV004731001.1).
Genomic context (GRCh38, chr6:142,753,511, plus strand): 5'-TGGCTTTTGTACAAGTCTGTATATTTTCCTCCTGTTCCCGCTCTGTTGCGTTTAGGCTGT[C>G]TTCCGAAGTGCTCTGTTTCATCAACAGCCGAGGAGAGGAGGGAGTGCTAGGTGGACCAGA-3'
Protein context (NP_006725.3, residues 2303-2323): RLLMKQSTSE[Asp2313His]SLNATEREQE